The following is an entry in ClinVar:

NM_002087.4(GRN):c.-38T>C

Gene: GRN (granulin precursor; plus strand). Cytogenetic location: 17q21.31.
Variant type: single nucleotide variant.
Coding change: c.-38T>C on transcript NM_002087.4 (MANE Select); 38 bases upstream of the start codon, T replaced by C.
Molecular consequence: 5 prime UTR variant.
Genome position (GRCh38, 1-based): chr17:44,345,304, T>C. VCF-style: chr17-44345304-T-C. GRCh37 (hg19) VCF-style: chr17-42422672-T-C.
Identifiers: ClinVar variation 586220 (VCV000586220.7), dbSNP rs530686556, ClinGen allele CA14464707.

ClinVar aggregate classification (germline): Benign. Review status: criteria provided, multiple submitters, no conflicts (2 of 4 stars). 2 submissions from 2 submitters: Benign (2). Last evaluated 2023-10-13.

Conditions:
GRN-related frontotemporal lobar degeneration with Tdp43 inclusions (FTD2). Also called: GRN Frontotemporal Dementia; FRONTOTEMPORAL DEMENTIA WITH TDP43 INCLUSIONS, GRN-RELATED; DEMENTIA, HEREDITARY DYSPHASIC DISINHIBITION; FRONTOTEMPORAL LOBAR DEGENERATION WITH UBIQUITIN-POSITIVE INCLUSIONS; FTLD-TDP, GRN-RELATED. Identifiers: Orphanet 100070, Orphanet 282, MedGen C1843792, MONDO:0011842, OMIM 607485. Disease mechanism: loss of function.

Allele frequency attached by ClinVar (database versions not stated): gnomAD 0.00301 and 0.00325; 1000 Genomes Project 0.00319; TOPMed 0.00340; 1000 Genomes Project 30x 0.00344.

Submissions (2):

Athena Diagnostics
Classification: Benign. Last evaluated: 2023-10-13. Review status: criteria provided, single submitter. Criteria: Athena Diagnostics Criteria. Collection method: clinical testing. Allele origin: unknown.

Illumina Laboratory Services, Illumina
Classification: Benign for GRN-related frontotemporal lobar degeneration with Tdp43 inclusions. Last evaluated: 2018-01-13. Review status: criteria provided, single submitter. Criteria: ICSL Variant Classification Criteria 13 December 2019. Collection method: clinical testing. Allele origin: germline.
Comment: This variant was observed in the ICSL laboratory as part of a predisposition screen in an ostensibly healthy population. It had not been previously curated by ICSL or reported in the Human Gene Mutation Database (HGMD: prior to June 1st, 2018), and was therefore a candidate for classification through an automated scoring system. Utilizing variant allele frequency, disease prevalence and penetrance estimates, and inheritance mode, an automated score was calculated to assess if this variant is too frequent to cause the disease. Based on the score and internal cut-off values, a variant classified as benign is not then subjected to further curation. The score for this variant resulted in a classification of benign for this disease.